The following is an entry in ClinVar:

NM_000297.4(PKD2):c.1762A>G (p.Thr588Ala)

Gene: PKD2 (polycystin 2, transient receptor potential cation channel; plus strand). Cytogenetic location: 4q22.1.
Variant type: single nucleotide variant.
Coding change: c.1762A>G on transcript NM_000297.4 (MANE Select); coding-DNA position 1762, A replaced by G.
Protein change: p.Thr588Ala; replaces threonine 588 with alanine.
Molecular consequence: missense variant. On other transcripts: non-coding transcript variant (1).
Genome position (GRCh38, 1-based): chr4:88,056,131, A>G. VCF-style: chr4-88056131-A-G. GRCh37 (hg19) VCF-style: chr4-88977283-A-G.
Other names: short protein forms T588A.
Identifiers: ClinVar variation 2915310 (VCV002915310.3), dbSNP rs2475953786, ClinGen allele CA357622699.

ClinVar aggregate classification (germline): Uncertain significance (1 of 4 stars; one submission).

Conditions:
Autosomal dominant polycystic kidney disease. Identifiers: Orphanet 730, MedGen C0085413, MONDO:0004691.

Submission:

Labcorp Genetics (formerly Invitae), Labcorp
Classification: Uncertain significance for Autosomal dominant polycystic kidney disease. Last evaluated: 2023-12-15. Review status: criteria provided, single submitter. Criteria: Invitae Variant Classification Sherloc (09022015). Collection method: clinical testing. Allele origin: germline.
Comment: This sequence change replaces threonine, which is neutral and polar, with alanine, which is neutral and non-polar, at codon 588 of the PKD2 protein (p.Thr588Ala). This variant is not present in population databases (gnomAD no frequency). This variant has not been reported in the literature in individuals affected with PKD2-related conditions. Advanced modeling of protein sequence and biophysical properties (such as structural, functional, and spatial information, amino acid conservation, physicochemical variation, residue mobility, and thermodynamic stability) performed at Invitae indicates that this missense variant is not expected to disrupt PKD2 protein function with a negative predictive value of 80%. In summary, the available evidence is currently insufficient to determine the role of this variant in disease. Therefore, it has been classified as a Variant of Uncertain Significance.